The following is an entry in ClinVar:

ClinVar aggregate classification (germline): Pathogenic (1 of 4 stars; one submission).

Conditions:
Hereditary cancer-predisposing syndrome. Also called: Neoplastic Syndromes, Hereditary; Tumor predisposition; Hereditary neoplastic syndrome; Hereditary Cancer Syndrome. Identifiers: Orphanet 140162, MedGen C0027672, MeSH D009386, MONDO:0015356.

Submission:

Ambry Genetics
Classification: Pathogenic for Hereditary cancer-predisposing syndrome. Last evaluated: 2024-02-29. Review status: criteria provided, single submitter. Criteria: Ambry Variant Classification Scheme 2023. Collection method: clinical testing. Allele origin: germline.
Comment: The c.1285dupA pathogenic mutation, located in coding exon 4 of the PALB2 gene, results from a duplication of A at nucleotide position 1285, causing a translational frameshift with a predicted alternate stop codon (p.I429Nfs*13). This variant is considered to be rare based on population cohorts in the Genome Aggregation Database (gnomAD). This alteration is expected to result in loss of function by premature protein truncation or nonsense-mediated mRNA decay. As such, this alteration is interpreted as a disease-causing mutation.

NM_024675.4(PALB2):c.1285dup (p.Ile429fs)

Gene: PALB2 (partner and localizer of BRCA2; minus strand). Cytogenetic location: 16p12.2.
Variant type: Duplication.
Coding change: c.1285dup on transcript NM_024675.4 (MANE Select); coding-DNA position 1285, one base duplicated (A; older notation c.1285dupA).
Protein change: p.Ile429fs; shifts the reading frame from isoleucine 429.
Molecular consequence: frameshift variant. On other transcripts: intron variant (3).
Genome position (GRCh38, 1-based): chr16:23,635,261, T duplicated on the plus strand (A on the coding strand, the reverse complement: PALB2 is on the minus strand). VCF-style (leftmost placement, unchanged base first): chr16-23635260-A-AT. GRCh37 (hg19) VCF-style: chr16-23646581-A-AT.
Other names: c.1225dup, p.Ile409fs (NM_001407296.1); c.1285dup, p.Ile429fs (NM_001407297.1, NM_001407298.1, NM_001407299.1 and 3 more transcripts); c.400dup, p.Ile134fs (NM_001407304.1, NM_001407305.1, NM_001407306.1 and 5 more transcripts); c.48+5849dup (NM_001407314.1); c.-104-4792dup (NM_001407313.1, NM_001407312.1); c.1285dupA (NM_024675.3); short protein forms I134fs, I409fs, I429fs.
Identifiers: ClinVar variation 3227985 (VCV003227985.1), dbSNP rs1966979701, ClinGen allele CA2825002427.